The following is an entry in ClinVar:

NM_001903.5(CTNNA1):c.777C>T (p.Ala259=)

Gene: CTNNA1 (catenin alpha 1; plus strand). Cytogenetic location: 5q31.2.
Variant type: single nucleotide variant.
Coding change: c.777C>T on transcript NM_001903.5 (MANE Select); coding-DNA position 777, C replaced by T.
Protein change: p.Ala259=; no amino-acid change (alanine 259 retained).
Molecular consequence: synonymous variant.
Genome position (GRCh38, 1-based): chr5:138,824,718, C>T. VCF-style: chr5-138824718-C-T. GRCh37 (hg19) VCF-style: chr5-138160407-C-T.
Other names: c.777C>T, p.Ala259= (NM_001290307.3, NM_001323982.2, NM_001323983.1 and 3 more transcripts); c.468C>T, p.Ala156= (NM_001290309.3); c.408C>T, p.Ala136= (NM_001290310.3).
Identifiers: ClinVar variation 1137478 (VCV001137478.12), dbSNP rs767313079, ClinGen allele CA3431556.

ClinVar aggregate classification (germline): Benign/Likely benign. Review status: criteria provided, multiple submitters, no conflicts (2 of 4 stars). 3 submissions from 3 submitters: Benign (1); Likely benign (2). Last evaluated 2025-12-03.

Conditions:
Hereditary cancer-predisposing syndrome. Also called: Neoplastic Syndromes, Hereditary; Hereditary neoplastic syndrome; Tumor predisposition; Hereditary Cancer Syndrome. Identifiers: Orphanet 140162, MedGen C0027672, MeSH D009386, MONDO:0015356.
Hereditary diffuse gastric adenocarcinoma (HDGC). Also called: DIFFUSE GASTRIC AND LOBULAR BREAST CANCER SYNDROME. Identifiers: Orphanet 26106, MedGen C1708349, MONDO:0007648, OMIM 137215.

Allele frequency attached by ClinVar (database versions not stated): ExAC 0.00001; gnomAD exomes 0.00001.
gnomAD v4.1: 4 of 1,614,200 alleles (0.00025%); highest among the groups gnomAD compares: East Asian, 0.0045%; no homozygotes.

Submissions (3):

Labcorp Genetics (formerly Invitae), Labcorp
Classification: Likely benign. Last evaluated: 2025-12-03. Review status: criteria provided, single submitter. Criteria: Invitae Variant Classification Sherloc (09022015). Collection method: clinical testing. Allele origin: germline.

Myriad Genetics, Inc.
Classification: Benign for Hereditary diffuse gastric adenocarcinoma. Last evaluated: 2024-10-10. Review status: criteria provided, single submitter. Criteria: Myriad Autosomal Dominant, Autosomal Recessive and X-Linked Classification Criteria (2023). Collection method: clinical testing. Allele origin: unknown.
Comment: This variant is considered benign. This variant is a silent/synonymous amino acid change and it is not expected to impact splicing.

Ambry Genetics
Classification: Likely benign for Hereditary cancer-predisposing syndrome. Last evaluated: 2022-04-09. Review status: criteria provided, single submitter. Criteria: Ambry Variant Classification Scheme 2023. Collection method: clinical testing. Allele origin: germline.